The following is an entry in ClinVar:

ClinVar aggregate classification (germline): Pathogenic (1 of 4 stars; one submission).

Submission:

Labcorp Genetics (formerly Invitae), Labcorp
Classification: Pathogenic. Last evaluated: 2023-01-16. Review status: criteria provided, single submitter. Criteria: Invitae Variant Classification Sherloc (09022015). Collection method: clinical testing. Allele origin: germline.
Comment: For these reasons, this variant has been classified as Pathogenic. This premature translational stop signal has been observed in individual(s) with total iodide organification defec (PMID: 11874711). In at least one individual the data is consistent with being in trans (on the opposite chromosome) from a pathogenic variant. This variant is present in population databases (no rsID available, gnomAD 0.006%). This sequence change creates a premature translational stop signal (p.His805Thrfs*27) in the TPO gene. It is expected to result in an absent or disrupted protein product. Loss-of-function variants in TPO are known to be pathogenic (PMID: 11061528, 23236987, 25564141).

Literature cited by the submitters: PubMed 11874711; PubMed 11061528; PubMed 23236987; PubMed 25564141.

NM_001206744.2(TPO):c.2413del (p.His805fs)

Genes: LALTOP (lung cancer associated lncRNA targeting TOP2A; minus strand), TPO (thyroid peroxidase; plus strand). Cytogenetic location: 2p25.3.
Variant type: Deletion.
Coding change: c.2413del on transcript NM_001206744.2 (MANE Select); coding-DNA position 2413, one base deleted (C; older notation c.2413delC).
Protein change: p.His805fs; shifts the reading frame from histidine 805.
Molecular consequence: frameshift variant. On other transcripts: intron variant (1).
Genome position (GRCh38, 1-based): chr2:1,503,974, C deleted; the last of 3 consecutive C bases (chr2:1,503,972-1,503,974); deleting any one gives the same sequence. VCF-style (leftmost placement, unchanged base first): chr2-1503971-GC-G. GRCh37 (hg19) VCF-style: chr2-1507743-GC-G.
Other names: c.2413del, p.His805fs (NM_000547.6); c.2242del, p.His748fs (NM_001206745.2, NM_175719.4); c.1894del, p.His632fs (NM_175722.3); c.2386+7209del (NM_175721.3); short protein forms H632fs, H805fs, H748fs.
Identifiers: ClinVar variation 2734133 (VCV002734133.3), dbSNP rs1558375131, ClinGen allele CA530403849.